The following is an entry in ClinVar:

ClinVar aggregate classification (germline): Uncertain significance (1 of 4 stars; one submission).

Conditions:
Brugada syndrome. Also called: Sudden Unexplained Death Syndrome; Sudden unexpected nocturnal death syndrome; Sudden Unexplained Nocturnal Death Syndrome (SUNDS); Sudden unexplained nocturnal death syndrome. Identifiers: Orphanet 130, MedGen C1142166, MONDO:0015263.

Allele frequency attached by ClinVar (database versions not stated): TOPMed below 0.00001; gnomAD 0.00001.

Submission:

Labcorp Genetics (formerly Invitae), Labcorp
Classification: Uncertain significance for Brugada syndrome. Last evaluated: 2023-10-04. Review status: criteria provided, single submitter. Criteria: Invitae Variant Classification Sherloc (09022015). Collection method: clinical testing. Allele origin: germline.
Comment: This sequence change replaces valine, which is neutral and non-polar, with methionine, which is neutral and non-polar, at codon 42 of the KCNE5 protein (p.Val42Met). The frequency data for this variant in the population databases is considered unreliable, as metrics indicate poor data quality at this position in the gnomAD database. This variant has not been reported in the literature in individuals affected with KCNE5-related conditions. An algorithm developed to predict the effect of missense changes on protein structure and function (PolyPhen-2) suggests that this variant is likely to be disruptive. In summary, the available evidence is currently insufficient to determine the role of this variant in disease. Therefore, it has been classified as a Variant of Uncertain Significance.

NM_012282.4(KCNE5):c.124G>A (p.Val42Met)

Gene: KCNE5 (potassium voltage-gated channel subfamily E regulatory subunit 5; minus strand). Cytogenetic location: Xq23.
Variant type: single nucleotide variant.
Coding change: c.124G>A on transcript NM_012282.4 (MANE Select); coding-DNA position 124, G replaced by A.
Protein change: p.Val42Met; replaces valine 42 with methionine.
Molecular consequence: missense variant.
Genome position (GRCh38, 1-based): chrX:109,624,897, C>T on the plus strand (G>A on the coding strand, the complement: KCNE5 is on the minus strand). VCF-style: chrX-109624897-C-T. GRCh37 (hg19) VCF-style: chrX-108868126-C-T.
Other names: short protein forms V42M.
Identifiers: ClinVar variation 2960571 (VCV002960571.3), dbSNP rs1394675449, ClinGen allele CA414213950.
Genomic context (GRCh38, chrX:109,624,897, plus strand): 5'-AGAGATAGGCGTCGTCGCCCTTGGCGCTGGTCACCTCGCGGCCCACGAAAGGGTCAGGCA[C>T]GACCCCCATGCCCATGCTGGGACGAGGGCCAGCGCCCAAGCCGCTGGCATTACCCCGGTG-3'
Protein context (NP_036414.1, residues 32-52): GPRPSMGMGV[Val42Met]PDPFVGREVT